The following is an entry in ClinVar:

NM_013450.4(BAZ2B):c.3812G>T (p.Gly1271Val)

Gene: BAZ2B (bromodomain adjacent to zinc finger domain 2B; minus strand). Cytogenetic location: 2q24.2.
Variant type: single nucleotide variant.
Coding change: c.3812G>T on transcript NM_013450.4 (MANE Select); coding-DNA position 3812, G replaced by T.
Protein change: p.Gly1271Val; replaces glycine 1271 with valine.
Molecular consequence: missense variant.
Genome position (GRCh38, 1-based): chr2:159,382,752, C>A on the plus strand (G>T on the coding strand, the complement: BAZ2B is on the minus strand). VCF-style: chr2-159382752-C-A. GRCh37 (hg19) VCF-style: chr2-160239263-C-A.
Other names: c.3704G>T, p.Gly1235Val (NM_001289975.1); c.3650G>T, p.Gly1217Val (NM_001329857.2); c.3737G>T, p.Gly1246Val (NM_001329858.2); short protein forms G1217V, G1235V, G1246V, G1271V.
Identifiers: ClinVar variation 3376004 (VCV003376004.1).
Genomic context (GRCh38, chr2:159,382,752, plus strand): 5'-CTTCGCTTGCGTCCTGGAGTGGGTGTGCCCAAGGGATGCTGCTCTTCTCCCAGATCAATG[C>A]CACCTGAAGTGTCTCTTTTGCCTGTTTTCTTAGCATGAATGATTCTGAGCCTTTAAATAT-3'
Protein context (NP_038478.2, residues 1261-1281): KKTGKRDTSG[Gly1271Val]IDLGEEQHPL

ClinVar aggregate classification (germline): Uncertain significance (1 of 4 stars; one submission).

gnomAD v4.1: 1 of 1,613,704 alleles (0.000062%); highest among the groups gnomAD compares: Non-Finnish European, 0.000085%; no homozygotes.

Submission:

GeneDx
Classification: Uncertain significance. Last evaluated: 2024-05-02. Review status: criteria provided, single submitter. Criteria: GeneDx Variant Classification Process June 2021. Collection method: clinical testing. Allele origin: germline. Affected: yes.
Comment: Not observed at significant frequency in large population cohorts (gnomAD); In silico analysis supports that this missense variant has a deleterious effect on protein structure/function; Has not been previously published as pathogenic or benign to our knowledge